The following is an entry in ClinVar:

NM_001318510.2(ACSL4):c.1482G>C (p.Glu494Asp)

Gene: ACSL4 (acyl-CoA synthetase long chain family member 4; minus strand). Cytogenetic location: Xq23.
Variant type: single nucleotide variant.
Coding change: c.1482G>C on transcript NM_001318510.2 (MANE Select); coding-DNA position 1482, G replaced by C.
Protein change: p.Glu494Asp; replaces glutamic acid 494 with aspartic acid.
Molecular consequence: missense variant.
Genome position (GRCh38, 1-based): chrX:109,663,311, C>G on the plus strand (G>C on the coding strand, the complement: ACSL4 is on the minus strand). VCF-style: chrX-109663311-C-G. GRCh37 (hg19) VCF-style: chrX-108906540-C-G.
Other names: c.1605G>C, p.Glu535Asp (NM_001318509.2, NM_022977.3); c.1482G>C, p.Glu494Asp (NM_004458.3); short protein forms E494D, E535D.
Identifiers: ClinVar variation 2446218 (VCV002446218.1), dbSNP rs1258779115, ClinGen allele CA414215473.
Genomic context (GRCh38, chrX:109,663,311, plus strand): 5'-ATCACCAGTGCAAAACCACCTTTGTCCATTTTCATCCACAGAATAATCTTCTGCTGTTTT[C>G]TCTTCATTTTTAAAATATCCCATGGAGATGTTCTGTCCACCAATTACGATTTCACCTCTG-3'
Protein context (NP_001305439.1, residues 484-504): NISMGYFKNE[Glu494Asp]KTAEDYSVDE

ClinVar aggregate classification (germline): Uncertain significance (1 of 4 stars; one submission).

Allele frequency attached by ClinVar (database versions not stated): gnomAD exomes below 0.00001.
gnomAD v4.1: 4 of 1,209,315 alleles (0.00033%); highest among the groups gnomAD compares: Admixed American, 0.0022%; no homozygotes.

Submission:

GeneDx
Classification: Uncertain significance. Last evaluated: 2022-09-21. Review status: criteria provided, single submitter. Criteria: GeneDx Variant Classification Process June 2021. Collection method: clinical testing. Allele origin: germline. Affected: yes.
Comment: Not observed at significant frequency in large population cohorts (gnomAD); In silico analysis supports that this missense variant does not alter protein structure/function; Has not been previously published as pathogenic or benign to our knowledge